The following is an entry in ClinVar:

NM_001042750.2(STAG2):c.2705A>G (p.Glu902Gly)

Gene: STAG2 (STAG2 cohesin complex component; plus strand). Cytogenetic location: Xq25.
Variant type: single nucleotide variant.
Coding change: c.2705A>G on transcript NM_001042750.2 (MANE Select); coding-DNA position 2705, A replaced by G.
Protein change: p.Glu902Gly; replaces glutamic acid 902 with glycine.
Molecular consequence: missense variant.
Genome position (GRCh38, 1-based): chrX:124,077,988, A>G. VCF-style: chrX-124077988-A-G. GRCh37 (hg19) VCF-style: chrX-123211838-A-G.
Other names: c.2705A>G, p.Glu902Gly (NM_001042749.2, NM_001042751.2, NM_001282418.2 and 13 more transcripts); short protein forms E902G.
Identifiers: ClinVar variation 2431763 (VCV002431763.1), dbSNP rs2522194639, ClinGen allele CA414278763.

ClinVar aggregate classification (germline): Uncertain significance (1 of 4 stars; one submission).

Conditions:
Mullegama-Klein-Martinez syndrome. Also called: NEURODEVELOPMENTAL DISORDER, X-LINKED, WITH CRANIOFACIAL ABNORMALITIES. Identifiers: MedGen C5193008, MONDO:0026722, OMIM 301022.

Submission:

Laboratorio de Genetica e Diagnostico Molecular, Hospital Israelita Albert Einstein
Classification: Uncertain significance for Mullegama-Klein-Martinez syndrome. Last evaluated: 2022-11-25. Review status: criteria provided, single submitter. Criteria: ACMG Guidelines, 2015. Collection method: clinical testing. Allele origin: germline. Affected: yes. Observed: 1 variant allele.
Comment: ACMG classification criteria: PM2 moderated, PP2 supporting